The following is an entry in ClinVar:

NM_020911.2(PLXNA4):c.2594C>T (p.Pro865Leu)

Gene: PLXNA4 (plexin A4; minus strand). Cytogenetic location: 7q32.3.
Variant type: single nucleotide variant.
Coding change: c.2594C>T on transcript NM_020911.2 (MANE Select); coding-DNA position 2594, C replaced by T.
Protein change: p.Pro865Leu; replaces proline 865 with leucine.
Molecular consequence: missense variant.
Genome position (GRCh38, 1-based): chr7:132,198,629, G>A on the plus strand (C>T on the coding strand, the complement: PLXNA4 is on the minus strand). VCF-style: chr7-132198629-G-A. GRCh37 (hg19) VCF-style: chr7-131883388-G-A.
Other names: c.2594C>T, p.Pro865Leu (NM_001393897.1); short protein forms P865L.
Identifiers: ClinVar variation 3344954 (VCV003344954.1).

ClinVar aggregate classification (germline): Uncertain significance (0 of 4 stars; one submission).

Conditions:
PLXNA4-related disorder. Also called: PLXNA4-related condition.

gnomAD v4.1: 3 of 1,613,946 alleles (0.00019%); highest among the groups gnomAD compares: Non-Finnish European, 0.00017%; no homozygotes.

Submission:

PreventionGenetics, part of Exact Sciences
Classification: Uncertain significance for PLXNA4-related condition. Last evaluated: 2024-07-03. Review status: no assertion criteria provided. Collection method: clinical testing. Allele origin: germline.
Comment: The PLXNA4 c.2594C>T variant is predicted to result in the amino acid substitution p.Pro865Leu. To our knowledge, this variant has not been reported in the literature. This variant is reported in 0.0065% of alleles in individuals of European (Non-Finnish) descent in gnomAD. At this time, the clinical significance of this variant is uncertain due to the absence of conclusive functional and genetic evidence.